The following is an entry in ClinVar:

NM_013338.5(ALG5):c.236G>A (p.Arg79Gln)

Gene: ALG5 (ALG5 dolichyl-phosphate beta-glucosyltransferase; minus strand). Cytogenetic location: 13q13.3.
Variant type: single nucleotide variant.
Coding change: c.236G>A on transcript NM_013338.5 (MANE Select); coding-DNA position 236, G replaced by A.
Protein change: p.Arg79Gln; replaces arginine 79 with glutamine.
Molecular consequence: missense variant.
Genome position (GRCh38, 1-based): chr13:36,995,427, C>T on the plus strand (G>A on the coding strand, the complement: ALG5 is on the minus strand). VCF-style: chr13-36995427-C-T. GRCh37 (hg19) VCF-style: chr13-37569564-C-T.
Other names: c.236G>A, p.Arg79Gln (NM_001142364.1); short protein forms R79Q.
Identifiers: ClinVar variation 3346143 (VCV003346143.1).

ClinVar aggregate classification (germline): Uncertain significance (0 of 4 stars; one submission).

Conditions:
ALG5-related disorder. Also called: ALG5-related condition.

gnomAD v4.1: 5 of 1,607,668 alleles (0.00031%); highest among the groups gnomAD compares: Non-Finnish European, 0.00042%; no homozygotes.

Submission:

PreventionGenetics, part of Exact Sciences
Classification: Uncertain significance for ALG5-related condition. Last evaluated: 2024-04-28. Review status: no assertion criteria provided. Collection method: clinical testing. Allele origin: germline.
Comment: The ALG5 c.236G>A variant is predicted to result in the amino acid substitution p.Arg79Gln. To our knowledge, this variant has not been reported in the literature or in a large population database, indicating this variant is rare. At this time, the clinical significance of this variant is uncertain due to the absence of conclusive functional and genetic evidence.